The following is an entry in ClinVar:

ClinVar aggregate classification (germline): Conflicting classifications of pathogenicity. Review status: criteria provided, conflicting classifications (1 of 4 stars). 6 submissions from 6 submitters: Uncertain significance (1); Likely benign (4). 1 of the submissions does not count toward it. Last evaluated 2026-05-01.

Conditions:
SMARCB1-related disorder. Also called: SMARCB1-related condition; SMARCB1-related disorders.
Hereditary cancer-predisposing syndrome. Also called: Neoplastic Syndromes, Hereditary; Tumor predisposition; Hereditary Cancer Syndrome; Hereditary neoplastic syndrome. Identifiers: Orphanet 140162, MedGen C0027672, MeSH D009386, MONDO:0015356.

Allele frequency attached by ClinVar (database versions not stated): ExAC 0.00001; gnomAD exomes 0.00002 and 0.00003; TOPMed 0.00005; gnomAD 0.00006 and 0.00007.
gnomAD v4.1: 58 of 1,614,032 alleles (0.0036%); highest among the groups gnomAD compares: African/African-American, 0.012%; no homozygotes.

Submissions (6):

CeGaT Center for Human Genetics Tuebingen
Classification: Likely benign. Last evaluated: 2026-05-01. Review status: criteria provided, single submitter. Criteria: CeGaT Center For Human Genetics Tuebingen Variant Classification Criteria Version 2. Collection method: clinical testing. Allele origin: germline. Affected: yes. Observed: 1 variant allele.
Comment: SMARCB1: BP4, BP7

Labcorp Genetics (formerly Invitae), Labcorp
Classification: Likely benign. Last evaluated: 2026-01-26. Review status: criteria provided, single submitter. Criteria: Invitae Variant Classification Sherloc (09022015). Collection method: clinical testing. Allele origin: germline.

Blueprint Genetics
Classification: Likely benign. Last evaluated: 2024-07-18. Review status: criteria provided, single submitter. Criteria: ACMG Guidelines, 2015. Collection method: clinical testing. Allele origin: germline.

Ambry Genetics
Classification: Likely benign for Hereditary cancer-predisposing syndrome. Last evaluated: 2021-12-08. Review status: criteria provided, single submitter. Criteria: Ambry Variant Classification Scheme 2023. Collection method: clinical testing. Allele origin: germline.

Eurofins Ntd Llc (ga)
Classification: Uncertain significance. Last evaluated: 2015-03-31. Review status: criteria provided, single submitter. Criteria: EGL Classification Definitions 2015. Collection method: clinical testing. Allele origin: germline. Observed: 1 variant allele, 1 heterozygote.

PreventionGenetics, part of Exact Sciences
Classification: Likely benign for SMARCB1-related condition. Last evaluated: 2019-11-01. Review status: no assertion criteria provided. Collection method: clinical testing. Allele origin: germline. Not counted in ClinVar's aggregate classification.
Comment: This variant is classified as likely benign based on ACMG/AMP sequence variant interpretation guidelines (Richards et al. 2015 PMID: 25741868, with internal and published modifications).

NM_003073.5(SMARCB1):c.585C>T (p.Ile195=)

Gene: SMARCB1 (SWI/SNF related BAF chromatin remodeling complex subunit B1; plus strand). Cytogenetic location: 22q11.23.
Variant type: single nucleotide variant.
Coding change: c.585C>T on transcript NM_003073.5 (MANE Select); coding-DNA position 585, C replaced by T.
Protein change: p.Ile195=; no amino-acid change (isoleucine 195 retained).
Molecular consequence: synonymous variant.
Genome position (GRCh38, 1-based): chr22:23,803,379, C>T. VCF-style: chr22-23803379-C-T. GRCh37 (hg19) VCF-style: chr22-24145566-C-T.
Other names: c.558C>T, p.Ile186= (NM_001007468.3); c.612C>T, p.Ile204= (NM_001317946.2); c.639C>T, p.Ile213= (NM_001362877.2); c.585C>T (LRG_520t1, NM_003073.4).
Identifiers: ClinVar variation 197749 (VCV000197749.21), dbSNP rs757546528, ClinGen allele CA246067.